The following is an entry in ClinVar:

NM_004588.5(SCN2B):c.449-12C>A

Gene: SCN2B (sodium voltage-gated channel beta subunit 2; minus strand). Cytogenetic location: 11q23.3.
Variant type: single nucleotide variant.
Coding change: c.449-12C>A on transcript NM_004588.5 (MANE Select); 12 bases into the intron before coding-DNA position 449, C replaced by A.
Molecular consequence: intron variant.
Genome position (GRCh38, 1-based): chr11:118,167,098, G>T on the plus strand (C>A on the coding strand, the complement: SCN2B is on the minus strand). VCF-style: chr11-118167098-G-T. GRCh37 (hg19) VCF-style: chr11-118037813-G-T.
Identifiers: ClinVar variation 259446 (VCV000259446.16), dbSNP rs8192613, ClinGen allele CA6300436.

ClinVar aggregate classification (germline): Benign. Review status: criteria provided, multiple submitters, no conflicts (2 of 4 stars). 8 submissions from 8 submitters: Benign (6). 2 of the submissions do not count toward it. Last evaluated 2026-02-04.

Conditions:
Atrial fibrillation, familial, 14 (ATFB14). Identifiers: MedGen C3809312, MONDO:0014156, OMIM 615378.

Allele frequency attached by ClinVar (database versions not stated): gnomAD 0.45401 and 0.46172; TOPMed 0.45603; gnomAD exomes 0.48484 and 0.50493; ExAC 0.50220; 1000 Genomes Project 30x 0.50718; 1000 Genomes Project 0.51438; ESP Exome Variant Server 0.43811.

Submissions (8):

Labcorp Genetics (formerly Invitae), Labcorp
Classification: Benign for Atrial fibrillation, familial, 14. Last evaluated: 2026-02-04. Review status: criteria provided, single submitter. Criteria: Invitae Variant Classification Sherloc (09022015). Collection method: clinical testing. Allele origin: germline.

Women's Health and Genetics/Laboratory Corporation of America, LabCorp
Classification: Benign. Last evaluated: 2023-04-04. Review status: criteria provided, single submitter. Criteria: LabCorp Variant Classification Summary - May 2015. Collection method: clinical testing. Allele origin: germline.

Genome-Nilou Lab
Classification: Benign for Atrial fibrillation, familial, 14. Last evaluated: 2021-07-15. Review status: criteria provided, single submitter. Criteria: ACMG Guidelines, 2015. Collection method: clinical testing. Allele origin: germline. Affected: no.

GeneDx
Classification: Benign. Last evaluated: 2016-09-06. Review status: criteria provided, single submitter. Criteria: GeneDx Variant Classification (06012015). Collection method: clinical testing. Allele origin: germline. Affected: yes.
Comment: This variant is considered likely benign or benign based on one or more of the following criteria: it is a conservative change, it occurs at a poorly conserved position in the protein, it is predicted to be benign by multiple in silico algorithms, and/or has population frequency not consistent with disease.

Breakthrough Genomics
Classification: Benign. Review status: criteria provided, single submitter. Criteria: ACMG Guidelines, 2015. Collection method: not provided. Allele origin: germline. Inheritance: Autosomal dominant inheritance. Affected: yes.

PreventionGenetics, part of Exact Sciences
Classification: Benign. Review status: criteria provided, single submitter. Criteria: ACMG Guidelines, 2015. Collection method: clinical testing. Allele origin: germline.

Clinical Genetics, Academic Medical Center
Classification: Benign. Review status: no assertion criteria provided. Collection method: clinical testing. Allele origin: germline. Affected: yes. Study: VKGL Data-share Consensus. Not counted in ClinVar's aggregate classification.

Diagnostic Laboratory, Department of Genetics, University Medical Center Groningen
Classification: Benign. Review status: no assertion criteria provided. Collection method: clinical testing. Allele origin: germline. Affected: yes. Study: VKGL Data-share Consensus. Not counted in ClinVar's aggregate classification.